The following is an entry in ClinVar:

NM_000135.4(FANCA):c.2644C>A (p.Pro882Thr)

Genes: FANCA (FA complementation group A; minus strand), LOC130059837 (ATAC-STARR-seq lymphoblastoid active region 11420; plus strand). Cytogenetic location: 16q24.3.
Variant type: single nucleotide variant.
Coding change: c.2644C>A on transcript NM_000135.4 (MANE Select); coding-DNA position 2644, C replaced by A.
Protein change: p.Pro882Thr; replaces proline 882 with threonine.
Molecular consequence: missense variant.
Genome position (GRCh38, 1-based): chr16:89,765,024, G>T on the plus strand (C>A on the coding strand, the complement: FANCA is on the minus strand). VCF-style: chr16-89765024-G-T. GRCh37 (hg19) VCF-style: chr16-89831432-G-T.
Other names: c.2644C>A, p.Pro882Thr (NM_001286167.3); short protein forms P882T.
Identifiers: ClinVar variation 2145800 (VCV002145800.5), dbSNP rs1938055960, ClinGen allele CA397438782.

ClinVar aggregate classification (germline): Uncertain significance. Review status: criteria provided, multiple submitters, no conflicts (2 of 4 stars). 2 submissions from 2 submitters: Uncertain significance (2). Last evaluated 2025-02-19.

Conditions:
Fanconi anemia (FA). Also called: Fanconi's anemia. Identifiers: Orphanet 84, MedGen C0015625, MeSH D005199, MONDO:0019391.
Inborn genetic diseases. Identifiers: MedGen C0950123, MeSH D030342.

gnomAD v4.1: 3 of 1,614,232 alleles (0.00019%); highest among the groups gnomAD compares: African/African-American, 0.0013%; no homozygotes.

Submissions (2):

Ambry Genetics
Classification: Uncertain significance for Inborn genetic diseases. Last evaluated: 2025-02-19. Review status: criteria provided, single submitter. Criteria: Ambry Variant Classification Scheme 2023. Collection method: clinical testing. Allele origin: germline.
Comment: The p.P882T variant (also known as c.2644C>A), located in coding exon 28 of the FANCA gene, results from a C to A substitution at nucleotide position 2644. The proline at codon 882 is replaced by threonine, an amino acid with highly similar properties. This amino acid position is conserved. In addition, this alteration is predicted to be tolerated by in silico analysis. Based on the available evidence, the clinical significance of this variant remains unclear.

Labcorp Genetics (formerly Invitae), Labcorp
Classification: Uncertain significance for Fanconi anemia. Last evaluated: 2024-02-17. Review status: criteria provided, single submitter. Criteria: Invitae Variant Classification Sherloc (09022015). Collection method: clinical testing. Allele origin: germline.
Comment: This sequence change replaces proline, which is neutral and non-polar, with threonine, which is neutral and polar, at codon 882 of the FANCA protein (p.Pro882Thr). This variant is not present in population databases (gnomAD no frequency). This variant has not been reported in the literature in individuals affected with FANCA-related conditions. ClinVar contains an entry for this variant (Variation ID: 2145800). Advanced modeling of protein sequence and biophysical properties (such as structural, functional, and spatial information, amino acid conservation, physicochemical variation, residue mobility, and thermodynamic stability) performed at Invitae indicates that this missense variant is not expected to disrupt FANCA protein function with a negative predictive value of 80%. In summary, the available evidence is currently insufficient to determine the role of this variant in disease. Therefore, it has been classified as a Variant of Uncertain Significance.